The following is an entry in ClinVar:

ClinVar aggregate classification (germline): Uncertain significance (1 of 4 stars; one submission).

Conditions:
Inborn genetic diseases. Identifiers: MedGen C0950123, MeSH D030342.

Submission:

Ambry Genetics
Classification: Uncertain significance for Inborn genetic diseases. Last evaluated: 2024-04-27. Review status: criteria provided, single submitter. Criteria: Ambry Variant Classification Scheme 2023. Collection method: clinical testing. Allele origin: germline.
Comment: The p.M82L variant (also known as c.244A>T), located in coding exon 3 of the ATR gene, results from an A to T substitution at nucleotide position 244. The methionine at codon 82 is replaced by leucine, an amino acid with highly similar properties. This amino acid position is conserved. In addition, this alteration is predicted to be tolerated by in silico analysis. Since supporting evidence is limited at this time, the clinical significance of this alteration remains unclear.

NM_001184.4(ATR):c.244A>T (p.Met82Leu)

Gene: ATR (ATR checkpoint kinase; minus strand). Cytogenetic location: 3q23.
Variant type: single nucleotide variant.
Coding change: c.244A>T on transcript NM_001184.4 (MANE Select); coding-DNA position 244, A replaced by T.
Protein change: p.Met82Leu; replaces methionine 82 with leucine.
Molecular consequence: missense variant.
Genome position (GRCh38, 1-based): chr3:142,566,169, T>A on the plus strand (A>T on the coding strand, the complement: ATR is on the minus strand). VCF-style: chr3-142566169-T-A. GRCh37 (hg19) VCF-style: chr3-142285011-T-A.
Other names: c.244A>T, p.Met82Leu (NM_001354579.2); short protein forms M82L.
Identifiers: ClinVar variation 1791453 (VCV001791453.3), dbSNP rs2473439959, ClinGen allele CA354828431.
Genomic context (GRCh38, chr3:142,566,169, plus strand): 5'-AACAGCACTTACCAATACAACTGCCTTTGGCCTCATGGCTTCCACTCACATTTACAAACA[T>A]AAGTGGGGAGGATTTCATGATATGCTGGATGAAATCAAGCAACATCACGGAGGTTGGCTG-3'
Protein context (NP_001175.2, residues 72-92): IQHIMKSSPL[Met82Leu]FVNVSGSHEA